The following is an entry in ClinVar:

ClinVar aggregate classification (germline): Conflicting classifications of pathogenicity. Review status: criteria provided, conflicting classifications (1 of 4 stars). 3 submissions from 3 submitters: Uncertain significance (2); Likely benign (1). Last evaluated 2025-07-15.

Conditions:
Brugada syndrome 3 (BRGDA3). Identifiers: Orphanet 130, MedGen C2678478, MONDO:0012742, OMIM 611875.
Long QT syndrome 8. Identifiers: MedGen CN260585, MONDO:0032756, OMIM 618447.
Timothy syndrome (TS). Also called: LONG QT SYNDROME WITH SYNDACTYLY. Identifiers: Orphanet 65283, MedGen C1832916, MeSH C536962, MONDO:0010979, OMIM 601005.
Long QT syndrome (LQTS). Identifiers: MedGen C0023976, MeSH D008133, MONDO:0002442. Disease mechanism: loss of function. Inheritance: Various modes of inheritance.
Cardiovascular phenotype. Identifiers: MedGen CN230736.

Submissions (3):

Labcorp Genetics (formerly Invitae), Labcorp
Classification: Uncertain significance for Long QT syndrome. Last evaluated: 2025-07-15. Review status: criteria provided, single submitter. Criteria: Invitae Variant Classification Sherloc (09022015). Collection method: clinical testing. Allele origin: germline.
Comment: This variant, c.2404_2406del, results in the deletion of 1 amino acid(s) of the CACNA1C protein (p.Glu802del), but otherwise preserves the integrity of the reading frame. This variant is present in population databases (rs771014370, gnomAD 0.02%). This variant has not been reported in the literature in individuals affected with CACNA1C-related conditions. ClinVar contains an entry for this variant (Variation ID: 580490). Experimental studies and prediction algorithms are not available or were not evaluated, and the functional significance of this variant is currently unknown. In summary, the available evidence is currently insufficient to determine the role of this variant in disease. Therefore, it has been classified as a Variant of Uncertain Significance.

Ambry Genetics
Classification: Likely benign for Cardiovascular phenotype. Last evaluated: 2024-06-06. Review status: criteria provided, single submitter. Criteria: Ambry Variant Classification Scheme 2023. Collection method: clinical testing. Allele origin: germline.

Fulgent Genetics
Classification: Uncertain significance for Timothy syndrome; Brugada syndrome 3; Long QT syndrome 8. Last evaluated: 2021-09-22. Review status: criteria provided, single submitter. Criteria: ACMG Guidelines, 2015. Collection method: clinical testing. Allele origin: unknown.

NM_000719.7(CACNA1C):c.2401GAG[1] (p.Glu802del)

Gene: CACNA1C (calcium voltage-gated channel subunit alpha1 C; plus strand). Cytogenetic location: 12p13.33.
Variant type: Microsatellite.
Coding change: c.2401GAG[1] on transcript NM_000719.7 (MANE Select); one copy of the 3-base unit GAG starting at c.2401; the reference has two copies in a row; one copy, 3 bases deleted; also written c.2404_2406del.
Protein change: p.Glu802del; deletes glutamic acid 802.
Molecular consequence: inframe deletion.
Genome position (GRCh38, 1-based): chr12:2,585,440-2,585,442, GAG deleted; deleting any 3 consecutive bases within chr12:2,585,435-2,585,442 gives the same sequence; the position shown is the placement nearest the transcript's 3' end. VCF-style (leftmost placement, unchanged base first): chr12-2585434-AAGG-A. GRCh37 (hg19) VCF-style: chr12-2694600-AAGG-A.
Other names: c.2404_2406del (NM_000719.6); c.2401GAG[1], p.Glu802del (NM_001129827.2, NM_001129829.2, NM_001129830.3 and 18 more transcripts); c.2392GAG[1], p.Glu799del (NM_001129844.2); short protein forms E802del, E799del.
Identifiers: ClinVar variation 580490 (VCV000580490.13), dbSNP rs771014370, ClinGen allele CA6388961.